The following is an entry in ClinVar:

ClinVar aggregate classification (germline): Uncertain significance (1 of 4 stars; one submission).

Allele frequency attached by ClinVar (database versions not stated): gnomAD 0.00001.
gnomAD v4.1: 2 of 1,613,568 alleles (0.00012%); highest among the groups gnomAD compares: African/African-American, 0.0027%; no homozygotes.

Submission:

Labcorp Genetics (formerly Invitae), Labcorp
Classification: Uncertain significance. Last evaluated: 2025-03-17. Review status: criteria provided, single submitter. Criteria: Invitae Variant Classification Sherloc (09022015). Collection method: clinical testing. Allele origin: germline.
Comment: This sequence change replaces alanine, which is neutral and non-polar, with proline, which is neutral and non-polar, at codon 171 of the EIF2AK1 protein (p.Ala171Pro). This variant is present in population databases (no rsID available, gnomAD 0.02%). This variant has not been reported in the literature in individuals affected with EIF2AK1-related conditions. ClinVar contains an entry for this variant (Variation ID: 1950983). An algorithm developed to predict the effect of missense changes on protein structure and function (PolyPhen-2) suggests that this variant is likely to be disruptive. In summary, the available evidence is currently insufficient to determine the role of this variant in disease. Therefore, it has been classified as a Variant of Uncertain Significance.

NM_014413.4(EIF2AK1):c.511G>C (p.Ala171Pro)

Gene: EIF2AK1 (eukaryotic translation initiation factor 2 alpha kinase 1; minus strand). Cytogenetic location: 7p22.1.
Variant type: single nucleotide variant.
Coding change: c.511G>C on transcript NM_014413.4 (MANE Select); coding-DNA position 511, G replaced by C.
Protein change: p.Ala171Pro; replaces alanine 171 with proline.
Molecular consequence: missense variant.
Genome position (GRCh38, 1-based): chr7:6,047,030, C>G on the plus strand (G>C on the coding strand, the complement: EIF2AK1 is on the minus strand). VCF-style: chr7-6047030-C-G. GRCh37 (hg19) VCF-style: chr7-6086661-C-G.
Other names: c.511G>C, p.Ala171Pro (NM_001134335.2); short protein forms A171P.
Identifiers: ClinVar variation 1950983 (VCV001950983.5), dbSNP rs774595713, ClinGen allele CA366756627.